The following is an entry in ClinVar:

NM_032043.3(BRIP1):c.1559G>A (p.Ser520Asn)

Gene: BRIP1 (BRCA1 interacting DNA helicase 1; minus strand). Cytogenetic location: 17q23.2.
Variant type: single nucleotide variant.
Coding change: c.1559G>A on transcript NM_032043.3 (MANE Select); coding-DNA position 1559, G replaced by A.
Protein change: p.Ser520Asn; replaces serine 520 with asparagine.
Molecular consequence: missense variant.
Genome position (GRCh38, 1-based): chr17:61,784,339, C>T on the plus strand (G>A on the coding strand, the complement: BRIP1 is on the minus strand). VCF-style: chr17-61784339-C-T. GRCh37 (hg19) VCF-style: chr17-59861700-C-T.
Other names: short protein forms S520N.
Identifiers: ClinVar variation 643292 (VCV000643292.12), dbSNP rs757629526, ClinGen allele CA400481161.

ClinVar aggregate classification (germline): Uncertain significance. Review status: criteria provided, multiple submitters, no conflicts (2 of 4 stars). 2 submissions from 2 submitters: Uncertain significance (2). Last evaluated 2025-06-30.

Conditions:
Hereditary cancer-predisposing syndrome. Also called: Neoplastic Syndromes, Hereditary; Hereditary Cancer Syndrome; Hereditary neoplastic syndrome; Tumor predisposition. Identifiers: Orphanet 140162, MedGen C0027672, MeSH D009386, MONDO:0015356.
Familial cancer of breast. Also called: hereditary breast carcinoma; BREAST CANCER, FAMILIAL; Hereditary breast cancer. Identifiers: Orphanet 227535, MedGen C0346153, MONDO:0016419, OMIM 114480. Disease mechanism: loss of function.
Fanconi anemia complementation group J. Also called: BRIP1-Related Fanconi Anemia. Identifiers: Orphanet 84, MedGen C1836860, MONDO:0012187, OMIM 609054.

Submissions (2):

Labcorp Genetics (formerly Invitae), Labcorp
Classification: Uncertain significance for Familial cancer of breast; Fanconi anemia complementation group J. Last evaluated: 2025-06-30. Review status: criteria provided, single submitter. Criteria: Invitae Variant Classification Sherloc (09022015). Collection method: clinical testing. Allele origin: germline.
Comment: This sequence change replaces serine, which is neutral and polar, with asparagine, which is neutral and polar, at codon 520 of the BRIP1 protein (p.Ser520Asn). This variant is not present in population databases (gnomAD no frequency). This variant has not been reported in the literature in individuals affected with BRIP1-related conditions. ClinVar contains an entry for this variant (Variation ID: 643292). Invitae Evidence Modeling of protein sequence and biophysical properties (such as structural, functional, and spatial information, amino acid conservation, physicochemical variation, residue mobility, and thermodynamic stability) indicates that this missense variant is not expected to disrupt BRIP1 protein function with a negative predictive value of 95%. In summary, the available evidence is currently insufficient to determine the role of this variant in disease. Therefore, it has been classified as a Variant of Uncertain Significance.

Ambry Genetics
Classification: Uncertain significance for Hereditary cancer-predisposing syndrome. Last evaluated: 2019-08-28. Review status: criteria provided, single submitter. Criteria: Ambry Variant Classification Scheme 2023. Collection method: clinical testing. Allele origin: germline.
Comment: The p.S520N variant (also known as c.1559G>A), located in coding exon 10 of the BRIP1 gene, results from a G to A substitution at nucleotide position 1559. The serine at codon 520 is replaced by asparagine, an amino acid with highly similar properties. This amino acid position is highly conserved in available vertebrate species. In addition, this alteration is predicted to be tolerated by in silico analysis. Since supporting evidence is limited at this time, the clinical significance of this alteration remains unclear.